The following is an entry in ClinVar:

ClinVar aggregate classification (germline): Uncertain significance (1 of 4 stars; one submission).

Conditions:
Rubinstein-Taybi syndrome due to EP300 haploinsufficiency. Also called: RUBINSTEIN-TAYBI SYNDROME 2; EP300-Related Rubinstein-Taybi Syndrome. Identifiers: Orphanet 353284, Orphanet 783, MedGen C3150941, MONDO:0013364, OMIM 613684.

Allele frequency attached by ClinVar (database versions not stated): TOPMed 0.00002.
gnomAD v4.1: 30 of 1,611,610 alleles (0.0019%); highest among the groups gnomAD compares: African/African-American, 0.0027%; no homozygotes.

Submission:

Labcorp Genetics (formerly Invitae), Labcorp
Classification: Uncertain significance for Rubinstein-Taybi syndrome due to EP300 haploinsufficiency. Last evaluated: 2025-07-18. Review status: criteria provided, single submitter. Criteria: Invitae Variant Classification Sherloc (09022015). Collection method: clinical testing. Allele origin: germline.
Comment: This sequence change replaces arginine, which is basic and polar, with histidine, which is basic and polar, at codon 754 of the EP300 protein (p.Arg754His). This variant is present in population databases (rs544338126, gnomAD 0.0009%). This variant has not been reported in the literature in individuals affected with EP300-related conditions. ClinVar contains an entry for this variant (Variation ID: 1415398). Invitae Evidence Modeling of protein sequence and biophysical properties (such as structural, functional, and spatial information, amino acid conservation, physicochemical variation, residue mobility, and thermodynamic stability) indicates that this missense variant is not expected to disrupt EP300 protein function with a negative predictive value of 80%. In summary, the available evidence is currently insufficient to determine the role of this variant in disease. Therefore, it has been classified as a Variant of Uncertain Significance.

NM_001429.4(EP300):c.2261G>A (p.Arg754His)

Gene: EP300 (EP300 lysine acetyltransferase; plus strand). Cytogenetic location: 22q13.2.
Variant type: single nucleotide variant.
Coding change: c.2261G>A on transcript NM_001429.4 (MANE Select); coding-DNA position 2261, G replaced by A.
Protein change: p.Arg754His; replaces arginine 754 with histidine.
Molecular consequence: missense variant.
Genome position (GRCh38, 1-based): chr22:41,149,057, G>A. VCF-style: chr22-41149057-G-A. GRCh37 (hg19) VCF-style: chr22-41545061-G-A.
Other names: c.2183G>A, p.Arg728His (NM_001362843.2); short protein forms R728H, R754H.
Identifiers: ClinVar variation 1415398 (VCV001415398.6), dbSNP rs544338126, ClinGen allele CA324535655.